The following is an entry in ClinVar:

ClinVar aggregate classification (germline): Uncertain significance (1 of 4 stars; one submission).

Conditions:
Emery-Dreifuss muscular dystrophy 5, autosomal dominant (EDMD5). Also called: EMERY-DREIFUSS MUSCULAR DYSTROPHY 5. Identifiers: Orphanet 261, MedGen C2751805, MONDO:0013072, OMIM 612999.

Allele frequency attached by ClinVar (database versions not stated): gnomAD exomes below 0.00001; TOPMed below 0.00001; gnomAD 0.00001.
gnomAD v4.1: 5 of 1,614,000 alleles (0.00031%); highest among the groups gnomAD compares: East Asian, 0.0022%; no homozygotes.

Submission:

Labcorp Genetics (formerly Invitae), Labcorp
Classification: Uncertain significance for Emery-Dreifuss muscular dystrophy 5, autosomal dominant. Last evaluated: 2022-12-18. Review status: criteria provided, single submitter. Criteria: Invitae Variant Classification Sherloc (09022015). Collection method: clinical testing. Allele origin: germline.
Comment: In summary, the available evidence is currently insufficient to determine the role of this variant in disease. Therefore, it has been classified as a Variant of Uncertain Significance. Algorithms developed to predict the effect of missense changes on protein structure and function output the following: SIFT: "Tolerated"; PolyPhen-2: "Benign"; Align-GVGD: "Class C0". The aspartic acid amino acid residue is found in multiple mammalian species, which suggests that this missense change does not adversely affect protein function. This variant has not been reported in the literature in individuals affected with SYNE2-related conditions. This variant is not present in population databases (gnomAD no frequency). This sequence change replaces glycine, which is neutral and non-polar, with aspartic acid, which is acidic and polar, at codon 1745 of the SYNE2 protein (p.Gly1745Asp).

NM_182914.3(SYNE2):c.5234G>A (p.Gly1745Asp)

Gene: SYNE2 (spectrin repeat containing nuclear envelope protein 2; plus strand). Cytogenetic location: 14q23.2.
Variant type: single nucleotide variant.
Coding change: c.5234G>A on transcript NM_182914.3 (MANE Select); coding-DNA position 5234, G replaced by A.
Protein change: p.Gly1745Asp; replaces glycine 1745 with aspartic acid.
Molecular consequence: missense variant.
Genome position (GRCh38, 1-based): chr14:64,021,397, G>A. VCF-style: chr14-64021397-G-A. GRCh37 (hg19) VCF-style: chr14-64488115-G-A.
Other names: c.5234G>A, p.Gly1745Asp (NM_015180.6); short protein forms G1745D.
Identifiers: ClinVar variation 2908428 (VCV002908428.3), dbSNP rs1313384248, ClinGen allele CA389940793.